The following is an entry in ClinVar:

ClinVar aggregate classification (germline): Uncertain significance (1 of 4 stars; one submission).

Submission:

GeneDx
Classification: Uncertain significance. Last evaluated: 2024-04-08. Review status: criteria provided, single submitter. Criteria: GeneDx Variant Classification Process June 2021. Collection method: clinical testing. Allele origin: germline. Affected: yes.
Comment: Not observed at significant frequency in large population cohorts (gnomAD); In silico analysis supports a deleterious effect on splicing; Has not been previously published as pathogenic or benign to our knowledge

NM_031407.7(HUWE1):c.2743-13_2743-11del

Gene: HUWE1 (HECT, UBA and WWE domain containing E3 ubiquitin protein ligase 1; minus strand). Cytogenetic location: Xp11.22.
Variant type: Deletion.
Coding change: c.2743-13_2743-11del on transcript NM_031407.7 (MANE Select); 13 bases into the intron before coding-DNA position 2743 through 11 bases into the intron before coding-DNA position 2743, 3 bases deleted (GTT; older notation c.2743-13_2743-11delGTT).
Molecular consequence: intron variant.
Genome position (GRCh38, 1-based): chrX:53,603,512-53,603,514, AAC deleted on the plus strand (GTT on the coding strand, the reverse complement: HUWE1 is on the minus strand); deleting any 3 consecutive bases within chrX:53,603,512-53,603,516 gives the same sequence; the c. name uses the placement nearest the transcript's 3' end. VCF-style (leftmost placement, unchanged base first): chrX-53603511-TAAC-T. GRCh37 (hg19) VCF-style: chrX-53630472-TAAC-T.
Identifiers: ClinVar variation 3372217 (VCV003372217.1).